The following is an entry in ClinVar:

NM_001365536.1(SCN9A):c.1540T>A (p.Phe514Ile)

Genes: SCN9A (sodium voltage-gated channel alpha subunit 9; minus strand), SCN1A-AS1 (SCN1A and SCN9A antisense RNA 1; plus strand). Cytogenetic location: 2q24.3.
Variant type: single nucleotide variant.
Coding change: c.1540T>A on transcript NM_001365536.1 (MANE Select); coding-DNA position 1540, T replaced by A.
Protein change: p.Phe514Ile; replaces phenylalanine 514 with isoleucine.
Molecular consequence: missense variant.
Genome position (GRCh38, 1-based): chr2:166,286,398, A>T on the plus strand (T>A on the coding strand, the complement: SCN9A is on the minus strand). VCF-style: chr2-166286398-A-T. GRCh37 (hg19) VCF-style: chr2-167142908-A-T.
Other names: c.1540T>A, p.Phe514Ile (NM_002977.4); short protein forms F514I.
Identifiers: ClinVar variation 2945288 (VCV002945288.3), dbSNP rs2468039766, ClinGen allele CA349084433.

ClinVar aggregate classification (germline): Uncertain significance (1 of 4 stars; one submission).

Conditions:
Neuropathy, hereditary sensory and autonomic, type 2A (HSAN2A). Also called: HSAN IIA; WNK1-Related HSAN2 (HSAN2A); ACROOSTEOLYSIS, GIACCAI TYPE; ACROOSTEOLYSIS, NEUROGENIC; MORVAN DISEASE; NEUROPATHY, CONGENITAL SENSORY. Identifiers: Orphanet 970, MedGen C2752089, MONDO:0024309, OMIM 201300.
Generalized epilepsy with febrile seizures plus, type 7 (GEFSP7). Also called: GEFS+, TYPE 7. Identifiers: Orphanet 36387, MedGen C2751778, MONDO:0013470, OMIM 613863.

Submission:

Labcorp Genetics (formerly Invitae), Labcorp
Classification: Uncertain significance for Neuropathy, hereditary sensory and autonomic, type 2A; Generalized epilepsy with febrile seizures plus, type 7. Last evaluated: 2023-03-14. Review status: criteria provided, single submitter. Criteria: Invitae Variant Classification Sherloc (09022015). Collection method: clinical testing. Allele origin: germline.
Comment: In summary, the available evidence is currently insufficient to determine the role of this variant in disease. Therefore, it has been classified as a Variant of Uncertain Significance. Advanced modeling of protein sequence and biophysical properties (such as structural, functional, and spatial information, amino acid conservation, physicochemical variation, residue mobility, and thermodynamic stability) has been performed at Invitae for this missense variant, however the output from this modeling did not meet the statistical confidence thresholds required to predict the impact of this variant on SCN9A protein function. This variant has not been reported in the literature in individuals affected with SCN9A-related conditions. This variant is not present in population databases (gnomAD no frequency). This sequence change replaces phenylalanine, which is neutral and non-polar, with isoleucine, which is neutral and non-polar, at codon 514 of the SCN9A protein (p.Phe514Ile).